The following is an entry in ClinVar:

ClinVar aggregate classification (germline): Uncertain significance (1 of 4 stars; one submission).

gnomAD v4.1: 13 of 1,612,190 alleles (0.00081%); highest among the groups gnomAD compares: Non-Finnish European, 0.0011%; no homozygotes.

Submission:

Labcorp Genetics (formerly Invitae), Labcorp
Classification: Uncertain significance. Last evaluated: 2025-08-24. Review status: criteria provided, single submitter. Criteria: Invitae Variant Classification Sherloc (09022015). Collection method: clinical testing. Allele origin: germline.
Comment: This sequence change replaces glycine, which is neutral and non-polar, with arginine, which is basic and polar, at codon 425 of the TBX6 protein (p.Gly425Arg). This variant is present in population databases (no rsID available, gnomAD 0.0009%). This variant has not been reported in the literature in individuals affected with TBX6-related conditions. An algorithm developed to predict the effect of missense changes on protein structure and function (PolyPhen-2) suggests that this variant is likely to be disruptive. In summary, the available evidence is currently insufficient to determine the role of this variant in disease. Therefore, it has been classified as a Variant of Uncertain Significance.

NM_004608.4(TBX6):c.1273G>C (p.Gly425Arg)

Gene: TBX6 (T-box transcription factor 6; minus strand). Cytogenetic location: 16p11.2.
Variant type: single nucleotide variant.
Coding change: c.1273G>C on transcript NM_004608.4 (MANE Select); coding-DNA position 1273, G replaced by C.
Protein change: p.Gly425Arg; replaces glycine 425 with arginine.
Molecular consequence: missense variant.
Genome position (GRCh38, 1-based): chr16:30,086,263, C>G on the plus strand (G>C on the coding strand, the complement: TBX6 is on the minus strand). VCF-style: chr16-30086263-C-G. GRCh37 (hg19) VCF-style: chr16-30097584-C-G.
Other names: short protein forms G425R.
Identifiers: ClinVar variation 4781556 (VCV004781556.1).